The following is an entry in ClinVar:

ClinVar aggregate classification (germline): Pathogenic. Review status: criteria provided, multiple submitters, no conflicts (2 of 4 stars). 4 submissions from 4 submitters: Pathogenic (4). Last evaluated 2024-12-03.

Conditions:
PANK2-related disorder. Also called: PANK2-related condition.
Pigmentary pallidal degeneration (NBIA1). Also called: PKAN NEUROAXONAL DYSTROPHY, JUVENILE-ONSET; Pantothenate Kinase-Associated Neurodegeneration; Neuroaxonal dystrophy, late infantile; Hallervorden-Spatz disease; Neurodegeneration with brain iron accumulation 1; HARP SYNDROME. Identifiers: Orphanet 157850, MedGen C0018523, MONDO:0009319, OMIM 234200.

gnomAD v4.1: 1 of 1,614,090 alleles (0.000062%); highest among the groups gnomAD compares: Non-Finnish European, 0.000085%; no homozygotes.

Submissions (4):

Dasa
Classification: Pathogenic. Last evaluated: 2024-12-03. Review status: criteria provided, single submitter. Criteria: DASA Assertion Criteria. Collection method: clinical testing. Allele origin: germline.
Comment: NM_001386393.1(PANK2):c.664C>T (p.Gln222*) introduces a premature termination codon predicted to result in loss of normal protein function. Loss-of-function is an established mechanism of disease for this gene. This variant has been observed in affected individuals with related phenotype in a genotype context consistent with recessive disease. The variant is present at low frequency in population datasets. Based on the available data, this variant is classified as pathogenic.

Labcorp Genetics (formerly Invitae), Labcorp
Classification: Pathogenic for Pigmentary pallidal degeneration. Last evaluated: 2022-07-14. Review status: criteria provided, single submitter. Criteria: Invitae Variant Classification Sherloc (09022015). Collection method: clinical testing. Allele origin: germline.
Comment: This sequence change creates a premature translational stop signal (p.Gln332*) in the PANK2 gene. It is expected to result in an absent or disrupted protein product. Loss-of-function variants in PANK2 are known to be pathogenic (PMID: 11479594, 12510040). This variant is not present in population databases (gnomAD no frequency). For these reasons, this variant has been classified as Pathogenic. This premature translational stop signal has been observed in individual(s) with pantothenate kinase-associated neurodegeneration (PMID: 28113101).

Women's Health and Genetics/Laboratory Corporation of America, LabCorp
Classification: Pathogenic for Pigmentary pallidal degeneration. Last evaluated: 2022-05-16. Review status: criteria provided, single submitter. Criteria: LabCorp Variant Classification Summary - May 2015. Collection method: clinical testing. Allele origin: germline.
Comment: Variant summary: PANK2 c.994C>T (p.Gln332X) results in a premature termination codon, predicted to cause a truncation of the encoded protein or absence of the protein due to nonsense mediated decay, which are commonly known mechanisms for disease. Truncations downstream of this position have been reported in association with Pantothenate Kinase-Associated Neurodegeneration in the HGMD database. The variant was absent in 251250 control chromosomes. c.994C>T has been reported in the literature as a homozygous genotype in multiple individuals affected with Pantothenate Kinase-Associated Neurodegeneration (example, Hartig_2006, Akcakaya_2017, Chang_2020). These data indicate that the variant is very likely to be associated with disease. No clinical diagnostic laboratories have submitted clinical-significance assessments for this variant to ClinVar after 2014. Based on the evidence outlined above, the variant was classified as pathogenic.

Blueprint Genetics
Classification: Pathogenic for PANK2-related disorders. Last evaluated: 2019-10-10. Review status: criteria provided, single submitter. Criteria: ACMG Guidelines, 2015. Collection method: clinical testing. Allele origin: germline. Affected: yes. Observed: 1 variant allele.

Literature cited by the submitters: PubMed 11479594 (cited by Labcorp Genetics (formerly Invitae), Labcorp); PubMed 12510040 (cited by Labcorp Genetics (formerly Invitae), Labcorp); PubMed 28113101 (cited by Labcorp Genetics (formerly Invitae), Labcorp and Women's Health and Genetics/Laboratory Corporation of America, LabCorp); PubMed 16437574 (cited by Women's Health and Genetics/Laboratory Corporation of America, LabCorp); PubMed 32043823 (cited by Women's Health and Genetics/Laboratory Corporation of America, LabCorp).

NM_001386393.1(PANK2):c.664C>T (p.Gln222Ter)

Gene: PANK2 (pantothenate kinase 2; plus strand). Cytogenetic location: 20p13.
Variant type: single nucleotide variant.
Coding change: c.664C>T on transcript NM_001386393.1 (MANE Select); coding-DNA position 664, C replaced by T.
Protein change: p.Gln222Ter; replaces glutamine 222 with a stop codon.
Molecular consequence: nonsense. On other transcripts: 5 prime UTR variant (1), non-coding transcript variant (1).
Genome position (GRCh38, 1-based): chr20:3,910,589, C>T. VCF-style: chr20-3910589-C-T. GRCh37 (hg19) VCF-style: chr20-3891236-C-T.
Other names: c.121C>T, p.Gln41Ter (NM_001324191.2, NM_024960.6, NM_153640.4); c.-315C>T (NM_001324193.2); c.994C>T, p.Gln332Ter (NM_153638.4); short protein forms Q222*, Q332*, Q41*.
Identifiers: ClinVar variation 1696025 (VCV001696025.8), dbSNP rs777414421, ClinGen allele CA408114379.